The following is an entry in ClinVar:

NC_012920.1(MT-ATP6):m.9152T>C

Gene: MT-ATP6 (mitochondrially encoded ATP synthase 6; plus strand).
Variant type: single nucleotide variant.
Genome position: chrM-9152-T-C.
Identifiers: ClinVar variation 235698 (VCV000235698.6), dbSNP rs878853096, ClinGen allele CA10581404.

ClinVar aggregate classification (germline): Uncertain significance. Review status: reviewed by expert panel (3 of 4 stars). 3 submissions from 3 submitters: Uncertain significance (1). 2 of the submissions do not count toward it. Last evaluated 2023-06-26.

Conditions:
Mitochondrial-DNA disorder.
Mitochondrial disease. Also called: Mitochondrial disorder; Mitochondrial disorders. Identifiers: Orphanet 68380, MedGen C0751651, MeSH D028361, MONDO:0044970.
Leigh syndrome (NULS). Also called: Leigh Disease; Subacute necrotizing encephalopathy; Necrotizing encephalopathy infantile subacute of Leigh; LEIGH SYNDROME, NUCLEAR; Leigh's syndrome; Leigh's necrotizing encephalopathy. Identifiers: Orphanet 506, MedGen C2931891, MONDO:0009723, OMIM 256000.

Submissions (3):

ClinGen Mitochondrial Disease Nuclear and Mitochondrial  Variant Curation Expert Panel, ClinGen
Classification: Uncertain significance for Mitochondrial disease. Last evaluated: 2023-06-26. Review status: reviewed by expert panel. Criteria: clingen mito disease acmg specifications v1-1. Collection method: curation. Allele origin: germline. Inheritance: Mitochondrial inheritance.
Comment: The m.9152T>C (p.I209T) variant in MT-ATP6 has been reported in one case to date, in an individual with autism, fatigue, reflux, and constipation (PMID: 30763462) who had the variant present at 23% in blood. The proband's healthy mother had the variant present at 10% in blood. There are no reported de novo occurrences to our knowledge. The computational predictor APOGEE gives a consensus rating of neutral with a score of 0.47 (Min=0, Max=1), which predicts no damaging effect on gene function (BP4). There are no cybrids, single fiber studies, or other functional assays reported on this variant. In summary, this variant meets criteria to be classified as uncertain significance for primary mitochondrial disease inherited in a mitochondrial manner. This classification was approved by the NICHD/NINDS U24 ClinGen Mitochondrial Disease Variant Curation Expert Panel on June 26, 2023. Mitochondrial DNA-specific ACMG/AMP criteria applied (PMID: 32906214): BP4.

Wong Mito Lab, Molecular and Human Genetics, Baylor College of Medicine
Classification: Likely benign for Leigh syndrome. Last evaluated: 2019-10-17. Review status: criteria provided, single submitter. Criteria: Modified ACMG Guidelines (Unpublished). Collection method: clinical testing. Allele origin: germline. Not counted in ClinVar's aggregate classification.
Comment: The NC_012920.1:m.9152T>C (YP_003024031.1:p.Ile209Thr) variant in MTATP6 gene is interpretated to be a Likely Benign variant based on the modified ACMG guidelines (unpublished). This variant meets the following evidence codes: BS1, BP6

Center for Pediatric Genomic Medicine, Children's Mercy Hospital and Clinics
Classification: Uncertain significance. Last evaluated: 2014-10-13. Review status: criteria provided, single submitter. Criteria: ACMG Guidelines, 2015. Collection method: clinical testing. Allele origin: germline. Not counted in ClinVar's aggregate classification.
ClinVar note: Converted during submission from Uncertain Significance to Uncertain significance.